The following is an entry in ClinVar:

ClinVar aggregate classification (germline): Likely benign. Review status: criteria provided, multiple submitters, no conflicts (2 of 4 stars). 3 submissions from 3 submitters: Likely benign (3). Last evaluated 2026-01-28.

Conditions:
DYRK1A-related intellectual disability syndrome (MRD7). Also called: DYRK1A Syndrome; Intellectual developmental disorder, autosomal dominant 7. Identifiers: Orphanet 464306, MedGen C5568143, MONDO:0013578, OMIM 614104.

Allele frequency attached by ClinVar (database versions not stated): TOPMed below 0.00001; ExAC 0.00001; gnomAD exomes 0.00001.
gnomAD v4.1: 9 of 1,613,956 alleles (0.00056%); highest among the groups gnomAD compares: Non-Finnish European, 0.00059%; no homozygotes.

Submissions (3):

Labcorp Genetics (formerly Invitae), Labcorp
Classification: Likely benign for DYRK1A-related intellectual disability syndrome. Last evaluated: 2026-01-28. Review status: criteria provided, single submitter. Criteria: Invitae Variant Classification Sherloc (09022015). Collection method: clinical testing. Allele origin: germline.

CeGaT Center for Human Genetics Tuebingen
Classification: Likely benign. Last evaluated: 2023-01-01. Review status: criteria provided, single submitter. Criteria: CeGaT Center For Human Genetics Tuebingen Variant Classification Criteria Version 2. Collection method: clinical testing. Allele origin: germline. Affected: yes. Observed: 2 variant alleles.
Comment: DYRK1A: BP4, BP7

GeneDx
Classification: Likely benign. Last evaluated: 2017-03-31. Review status: criteria provided, single submitter. Criteria: GeneDx Variant Classification (06012015). Collection method: clinical testing. Allele origin: germline. Affected: yes.
Comment: This variant is considered likely benign or benign based on one or more of the following criteria: it is a conservative change, it occurs at a poorly conserved position in the protein, it is predicted to be benign by multiple in silico algorithms, and/or has population frequency not consistent with disease.

NM_001347721.2(DYRK1A):c.1644+18T>C

Gene: DYRK1A (dual specificity tyrosine phosphorylation regulated kinase 1A; plus strand). Cytogenetic location: 21q22.13.
Variant type: single nucleotide variant.
Coding change: c.1644+18T>C on transcript NM_001347721.2 (MANE Select); 18 bases into the intron after coding-DNA position 1644, T replaced by C.
Molecular consequence: intron variant. On other transcripts: synonymous variant (1).
Genome position (GRCh38, 1-based): chr21:37,506,241, T>C. VCF-style: chr21-37506241-T-C. GRCh37 (hg19) VCF-style: chr21-38878544-T-C.
Other names: c.1689T>C, p.Val563= (NM_101395.2); c.1671+18T>C (NM_001396.5); c.1644+18T>C (NM_001347722.2, NM_130436.2); c.1557+18T>C (NM_001347723.2); c.1546+652T>C (NM_130438.2).
Identifiers: ClinVar variation 388042 (VCV000388042.33), dbSNP rs755097100, ClinGen allele CA10024034.